The following is an entry in ClinVar:

ClinVar aggregate classification (germline): Uncertain significance (1 of 4 stars; one submission).

Conditions:
Cardiomyopathy (CMYO). Also called: Cardiomyopathies. Identifiers: Orphanet 167848, MedGen C0878544, MONDO:0004994, HP:0001638. Inheritance: Various modes of inheritance.

gnomAD v4.1: 2 of 1,602,964 alleles (0.00012%); highest among the groups gnomAD compares: Non-Finnish European, 0.00017%; no homozygotes.

Submission:

Color Diagnostics, LLC DBA Color Health
Classification: Uncertain significance for Cardiomyopathy. Last evaluated: 2025-05-30. Review status: criteria provided, single submitter. Criteria: ACMG Guidelines, 2015. Collection method: clinical testing. Allele origin: germline.
Comment: This missense variant replaces threonine with methionine at codon 1157 of the MYH7 protein. Computational prediction suggests that this variant may have deleterious impact on protein structure and function. To our knowledge, functional studies have not been reported for this variant. This variant has not been reported in individuals affected with MYH7-related disorders in the literature. This variant has not been identified in the general population by the Genome Aggregation Database (gnomAD). The available evidence is insufficient to determine the role of this variant in disease conclusively. Therefore, this variant is classified as a Variant of Uncertain Significance.

NM_000257.4(MYH7):c.3470C>T (p.Thr1157Met)

Gene: MYH7 (myosin heavy chain 7; minus strand). Cytogenetic location: 14q11.2.
Variant type: single nucleotide variant.
Coding change: c.3470C>T on transcript NM_000257.4 (MANE Select); coding-DNA position 3470, C replaced by T.
Protein change: p.Thr1157Met; replaces threonine 1157 with methionine.
Molecular consequence: missense variant.
Genome position (GRCh38, 1-based): chr14:23,420,101, G>A on the plus strand (C>T on the coding strand, the complement: MYH7 is on the minus strand). VCF-style: chr14-23420101-G-A. GRCh37 (hg19) VCF-style: chr14-23889310-G-A.
Other names: c.3470C>T, p.Thr1157Met (NM_001407004.1); short protein forms T1157M.
Identifiers: ClinVar variation 4758537 (VCV004758537.1).